The following is an entry in ClinVar:

NM_152703.5(SAMD9L):c.1019C>T (p.Ser340Leu)

Gene: SAMD9L (sterile alpha motif domain containing 9 like; minus strand). Cytogenetic location: 7q21.2.
Variant type: single nucleotide variant.
Coding change: c.1019C>T on transcript NM_152703.5 (MANE Select); coding-DNA position 1019, C replaced by T.
Protein change: p.Ser340Leu; replaces serine 340 with leucine.
Molecular consequence: missense variant.
Genome position (GRCh38, 1-based): chr7:93,134,953, G>A on the plus strand (C>T on the coding strand, the complement: SAMD9L is on the minus strand). VCF-style: chr7-93134953-G-A. GRCh37 (hg19) VCF-style: chr7-92764266-G-A.
Other names: c.1019C>T, p.Ser340Leu (NM_001303496.3, NM_001303497.3, NM_001303498.3 and 5 more transcripts); short protein forms S340L.
Identifiers: ClinVar variation 4159330 (VCV004159330.1).

ClinVar aggregate classification (germline): Uncertain significance (1 of 4 stars; one submission).

Conditions:
Inborn genetic diseases. Identifiers: MedGen C0950123, MeSH D030342.

Submission:

Ambry Genetics
Classification: Uncertain significance for Inborn genetic diseases. Last evaluated: 2025-07-13. Review status: criteria provided, single submitter. Criteria: Ambry Variant Classification Scheme 2023. Collection method: clinical testing. Allele origin: germline.
Comment: The p.S340L variant (also known as c.1019C>T), located in coding exon 1 of the SAMD9L gene, results from a C to T substitution at nucleotide position 1019. The serine at codon 340 is replaced by leucine, an amino acid with dissimilar properties. This amino acid position is conserved. In addition, this alteration is predicted to be tolerated by in silico analysis. Based on the available evidence, the clinical significance of this variant remains unclear.